The following is an entry in ClinVar:

NM_001909.5(CTSD):c.-36G>C

Genes: CTSD (cathepsin D; minus strand), LOC130005119 (ATAC-STARR-seq lymphoblastoid silent region 3058; plus strand). Cytogenetic location: 11p15.5.
Variant type: single nucleotide variant.
Coding change: c.-36G>C on transcript NM_001909.5 (MANE Select); 36 bases upstream of the start codon, G replaced by C.
Molecular consequence: 5 prime UTR variant.
Genome position (GRCh38, 1-based): chr11:1,763,895, C>G on the plus strand (G>C on the coding strand, the complement: CTSD is on the minus strand). VCF-style: chr11-1763895-C-G. GRCh37 (hg19) VCF-style: chr11-1785125-C-G.
Identifiers: ClinVar variation 509993 (VCV000509993.1), dbSNP rs1474705113, ClinGen allele CA658797565.

ClinVar aggregate classification (germline): Likely benign (1 of 4 stars; one submission).

gnomAD v4.1: 2 of 1,509,628 alleles (0.00013%); highest among the groups gnomAD compares: Admixed American, 0.002%; no homozygotes.

Submission:

GeneDx
Classification: Likely benign. Last evaluated: 2017-06-07. Review status: criteria provided, single submitter. Criteria: GeneDx Variant Classification (06012015). Collection method: clinical testing. Allele origin: germline. Affected: yes.
Comment: This variant is considered likely benign or benign based on one or more of the following criteria: it is a conservative change, it occurs at a poorly conserved position in the protein, it is predicted to be benign by multiple in silico algorithms, and/or has population frequency not consistent with disease.